The following is an entry in ClinVar:

NM_001184.4(ATR):c.3667A>G (p.Ile1223Val)

Gene: ATR (ATR checkpoint kinase; minus strand). Cytogenetic location: 3q23.
Variant type: single nucleotide variant.
Coding change: c.3667A>G on transcript NM_001184.4 (MANE Select); coding-DNA position 3667, A replaced by G.
Protein change: p.Ile1223Val; replaces isoleucine 1223 with valine.
Molecular consequence: missense variant.
Genome position (GRCh38, 1-based): chr3:142,538,540, T>C on the plus strand (A>G on the coding strand, the complement: ATR is on the minus strand). VCF-style: chr3-142538540-T-C. GRCh37 (hg19) VCF-style: chr3-142257382-T-C.
Other names: c.3475A>G, p.Ile1159Val (NM_001354579.2); short protein forms I1159V, I1223V.
Identifiers: ClinVar variation 2447377 (VCV002447377.2), dbSNP rs554925737, ClinGen allele CA2650043.

ClinVar aggregate classification (germline): Uncertain significance (1 of 4 stars; one submission).

Conditions:
Inborn genetic diseases. Identifiers: MedGen C0950123, MeSH D030342.

Allele frequency attached by ClinVar (database versions not stated): gnomAD exomes below 0.00001; ExAC 0.00001; gnomAD 0.00001; TOPMed 0.00002; 1000 Genomes Project 30x 0.00016; 1000 Genomes Project 0.00020.
gnomAD v4.1: 5 of 1,613,444 alleles (0.00031%); highest among the groups gnomAD compares: African/African-American, 0.0067%; no homozygotes.

Submission:

Ambry Genetics
Classification: Uncertain significance for Inborn genetic diseases. Last evaluated: 2022-12-23. Review status: criteria provided, single submitter. Criteria: Ambry Variant Classification Scheme 2023. Collection method: clinical testing. Allele origin: germline.
Comment: The p.I1223V variant (also known as c.3667A>G), located in coding exon 19 of the ATR gene, results from an A to G substitution at nucleotide position 3667. The isoleucine at codon 1223 is replaced by valine, an amino acid with highly similar properties. This amino acid position is conserved. In addition, this alteration is predicted to be tolerated by in silico analysis. Since supporting evidence is limited at this time, the clinical significance of this alteration remains unclear.